The following is an entry in ClinVar:

NM_207122.2(EXT2):c.1171C>T (p.Gln391Ter)

Gene: EXT2 (exostosin glycosyltransferase 2; plus strand). Cytogenetic location: 11p11.2.
Variant type: single nucleotide variant.
Coding change: c.1171C>T on transcript NM_207122.2 (MANE Select); coding-DNA position 1171, C replaced by T.
Protein change: p.Gln391Ter; replaces glutamine 391 with a stop codon.
Molecular consequence: nonsense.
Genome position (GRCh38, 1-based): chr11:44,130,136, C>T. VCF-style: chr11-44130136-C-T. GRCh37 (hg19) VCF-style: chr11-44151686-C-T.
Other names: c.1270C>T, p.Gln424Ter (NM_000401.3); c.1171C>T, p.Gln391Ter (NM_001178083.3); short protein forms Q391*, Q424*.
Identifiers: ClinVar variation 986095 (VCV000986095.10), dbSNP rs570580540, ClinGen allele CA380170569.

ClinVar aggregate classification (germline): Pathogenic. Review status: criteria provided, multiple submitters, no conflicts (2 of 4 stars). 4 submissions from 4 submitters: Pathogenic (4). Last evaluated 2025-11-19.

Conditions:
Exostoses, multiple, type 2 (EXT2). Also called: Hereditary Multiple Osteochondromatosis, Type II; EXOSTOSES, MULTIPLE, TYPE II. Identifiers: Orphanet 321, MedGen C1851413, MONDO:0007586, OMIM 133701.
EXT2-related disorder. Also called: EXT2-related condition.
Inborn genetic diseases. Identifiers: MedGen C0950123, MeSH D030342.

Submissions (4):

PreventionGenetics, part of Exact Sciences
Classification: Pathogenic for EXT2-related condition. Last evaluated: 2025-11-19. Review status: criteria provided, single submitter. Criteria: ACMG Guidelines, 2015. Collection method: clinical testing. Allele origin: germline.
Comment: The EXT2 c.1171C>T variant is predicted to result in premature protein termination (p.Gln391*). This variant has been reported in individuals with multiple osteochondromas (Liang et al. 2020. PubMed ID: 32293802; Table S5, MacCarrick et al. 2024. PubMed ID: 38702915). This variant has not been reported in a large population database (gnomAD), indicating this variant is rare. Nonsense variants in EXT2 are expected to be pathogenic. This variant is interpreted as pathogenic.

Clinical Genetics and Genomics, Karolinska University Hospital
Classification: Pathogenic for Exostoses, multiple, type 2. Last evaluated: 2024-01-17. Review status: criteria provided, single submitter. Criteria: Strehlow et al. (Brain. 2019). Collection method: clinical testing. Allele origin: germline. Inheritance: Autosomal dominant inheritance. Affected: yes.

Labcorp Genetics (formerly Invitae), Labcorp
Classification: Pathogenic for Exostoses, multiple, type 2. Last evaluated: 2022-06-04. Review status: criteria provided, single submitter. Criteria: Invitae Variant Classification Sherloc (09022015). Collection method: clinical testing. Allele origin: germline.
Comment: This premature translational stop signal has been observed in individual(s) with hereditary multiple osteochondromatosis (PMID: 32293802). ClinVar contains an entry for this variant (Variation ID: 986095). For these reasons, this variant has been classified as Pathogenic. This variant is not present in population databases (gnomAD no frequency). This sequence change creates a premature translational stop signal (p.Gln391*) in the EXT2 gene. It is expected to result in an absent or disrupted protein product. Loss-of-function variants in EXT2 are known to be pathogenic (PMID: 10679937, 19810120).

Ambry Genetics
Classification: Pathogenic for Inborn genetic diseases. Last evaluated: 2017-12-20. Review status: criteria provided, single submitter. Criteria: Ambry exome assertion method (8-5-2015). Collection method: clinical testing. Allele origin: germline. Affected: yes. Observed: 1 variant allele.

Literature cited by the submitters: PubMed 32293802 (cited by Labcorp Genetics (formerly Invitae), Labcorp); PubMed 10679937 (cited by Labcorp Genetics (formerly Invitae), Labcorp); PubMed 19810120 (cited by Labcorp Genetics (formerly Invitae), Labcorp).